The following is an entry in ClinVar:

NM_022773.4(LMF1):c.218A>G (p.His73Arg)

Gene: LMF1 (lipase maturation factor 1; minus strand). Cytogenetic location: 16p13.3.
Variant type: single nucleotide variant.
Coding change: c.218A>G on transcript NM_022773.4 (MANE Select); coding-DNA position 218, A replaced by G.
Protein change: p.His73Arg; replaces histidine 73 with arginine.
Molecular consequence: missense variant. On other transcripts: 5 prime UTR variant (4), non-coding transcript variant (1).
Genome position (GRCh38, 1-based): chr16:954,642, T>C on the plus strand (A>G on the coding strand, the complement: LMF1 is on the minus strand). VCF-style: chr16-954642-T-C. GRCh37 (hg19) VCF-style: chr16-1004642-T-C.
Other names: c.-586A>G (NM_001352017.2); c.-337A>G (NM_001352018.2); c.-110A>G (NM_001352019.2); c.218A>G, p.His73Arg (NM_001352020.1); c.-488A>G (NM_001352021.2); short protein forms H73R.
Identifiers: ClinVar variation 4859228 (VCV004859228.1).

ClinVar aggregate classification (germline): Uncertain significance (1 of 4 stars; one submission).

Conditions:
Cardiovascular phenotype. Identifiers: MedGen CN230736.

gnomAD v4.1: 4 of 1,601,214 alleles (0.00025%); highest among the groups gnomAD compares: Non-Finnish European, 0.00034%; no homozygotes.

Submission:

Ambry Genetics
Classification: Uncertain significance for Cardiovascular phenotype. Last evaluated: 2026-05-14. Review status: criteria provided, single submitter. Criteria: Ambry Variant Classification Scheme 2023. Collection method: clinical testing. Allele origin: germline.
Comment: The p.H73R variant (also known as c.218A>G), located in coding exon 2 of the LMF1 gene, results from an A to G substitution at nucleotide position 218. The histidine at codon 73 is replaced by arginine, an amino acid with highly similar properties. This amino acid position is conserved. In addition, this alteration is predicted to be tolerated by in silico analysis. Based on the available evidence, the clinical significance of this variant remains unclear.